The following is an entry in ClinVar:

ClinVar aggregate classification (germline): Conflicting classifications of pathogenicity. Review status: criteria provided, conflicting classifications (1 of 4 stars). 2 submissions from 2 submitters: Uncertain significance (1); Likely benign (1). Last evaluated 2024-09-20.

Conditions:
Lipoic acid synthetase deficiency. Also called: HYPERGLYCINEMIA, LACTIC ACIDOSIS, AND SEIZURES. Identifiers: Orphanet 401859, MedGen C3280887, MONDO:0013762, OMIM 614462.

Submissions (2):

3billion
Classification: Likely benign for Lipoic acid synthetase deficiency. Last evaluated: 2024-09-20. Review status: criteria provided, single submitter. Criteria: ACMG Guidelines, 2015. Collection method: clinical testing. Allele origin: germline. Affected: no.
Comment: The homozygous variant was found in patients diagnosed with another variant in a different gene, with no symptoms related to the gene containing the homozygous variant.

Labcorp Genetics (formerly Invitae), Labcorp
Classification: Uncertain significance for Lipoic acid synthetase deficiency. Last evaluated: 2022-07-04. Review status: criteria provided, single submitter. Criteria: Invitae Variant Classification Sherloc (09022015). Collection method: clinical testing. Allele origin: germline.
Comment: This sequence change results in a frameshift in the LIAS gene (p.Thr369Argfs*16). While this is not anticipated to result in nonsense mediated decay, it is expected to disrupt the last 4 amino acid(s) of the LIAS protein and extend the protein by 11 additional amino acid residues. This variant is not present in population databases (gnomAD no frequency). This variant has not been reported in the literature in individuals affected with LIAS-related conditions. ClinVar contains an entry for this variant (Variation ID: 577432). Experimental studies and prediction algorithms are not available or were not evaluated, and the functional significance of this variant is currently unknown. In summary, the available evidence is currently insufficient to determine the role of this variant in disease. Therefore, it has been classified as a Variant of Uncertain Significance.

NM_006859.4(LIAS):c.1106_1110del (p.Thr369fs)

Gene: LIAS (lipoic acid synthetase; plus strand). Cytogenetic location: 4p14.
Variant type: Deletion.
Coding change: c.1106_1110del on transcript NM_006859.4 (MANE Select); coding-DNA positions 1106 to 1110, 5 bases deleted (CAAAA; older notation c.1106_1110delCAAAA).
Protein change: p.Thr369fs; shifts the reading frame from threonine 369.
Molecular consequence: frameshift variant. On other transcripts: 3 prime UTR variant (1).
Genome position (GRCh38, 1-based): chr4:39,477,102-39,477,106, CAAAA deleted; deleting any 5 consecutive bases within chr4:39,477,098-39,477,106 gives the same sequence; the c. name uses the placement nearest the transcript's 3' end. VCF-style (leftmost placement, unchanged base first): chr4-39477097-AAAAAC-A. GRCh37 (hg19) VCF-style: chr4-39478717-AAAAAC-A.
Other names: c.977_981del, p.Thr326fs (NM_001278590.2); c.797_801del, p.Thr266fs (NM_001363700.2); c.*25_*29del (NM_194451.3); c.1106_1110del (NM_006859.3); short protein forms T326fs, T266fs, T369fs.
Identifiers: ClinVar variation 577432 (VCV000577432.9), dbSNP rs1560674852, ClinGen allele CA891842577.